The following is an entry in ClinVar:

ClinVar aggregate classification (germline): Uncertain significance (1 of 4 stars; one submission).

Conditions:
Fibrous dysplasia of jaw (CRBM). Also called: Cherubism. Identifiers: Orphanet 184, MedGen C0008029, MONDO:0007315, OMIM 118400.

Submission:

Labcorp Genetics (formerly Invitae), Labcorp
Classification: Uncertain significance for Fibrous dysplasia of jaw. Last evaluated: 2022-10-03. Review status: criteria provided, single submitter. Criteria: Invitae Variant Classification Sherloc (09022015). Collection method: clinical testing. Allele origin: germline.
Comment: In summary, the available evidence is currently insufficient to determine the role of this variant in disease. Therefore, it has been classified as a Variant of Uncertain Significance. Advanced modeling of protein sequence and biophysical properties (such as structural, functional, and spatial information, amino acid conservation, physicochemical variation, residue mobility, and thermodynamic stability) performed at Invitae indicates that this missense variant is not expected to disrupt SH3BP2 protein function. This variant has not been reported in the literature in individuals affected with SH3BP2-related conditions. This variant is not present in population databases (gnomAD no frequency). This sequence change replaces glutamine, which is neutral and polar, with proline, which is neutral and non-polar, at codon 42 of the SH3BP2 protein (p.Gln42Pro).

NM_001122681.2(SH3BP2):c.125A>C (p.Gln42Pro)

Gene: SH3BP2 (SH3 domain binding protein 2; plus strand). Cytogenetic location: 4p16.3.
Variant type: single nucleotide variant.
Coding change: c.125A>C on transcript NM_001122681.2 (MANE Select); coding-DNA position 125, A replaced by C.
Protein change: p.Gln42Pro; replaces glutamine 42 with proline.
Molecular consequence: missense variant.
Genome position (GRCh38, 1-based): chr4:2,820,742, A>C. VCF-style: chr4-2820742-A-C. GRCh37 (hg19) VCF-style: chr4-2822469-A-C.
Other names: c.209A>C, p.Gln70Pro (NM_001145855.2); c.296A>C, p.Gln99Pro (NM_001145856.2); c.125A>C, p.Gln42Pro (NM_003023.4); short protein forms Q99P, Q70P, Q42P.
Identifiers: ClinVar variation 1925316 (VCV001925316.5), dbSNP rs2530312581, ClinGen allele CA356053053.